The following is an entry in ClinVar:

ClinVar aggregate classification (germline): Uncertain significance. Review status: criteria provided, multiple submitters, no conflicts (2 of 4 stars). 2 submissions from 2 submitters: Uncertain significance (2). Last evaluated 2023-10-03.

Conditions:
Tuberous sclerosis 2 (TSC2). Identifiers: Orphanet 805, MedGen C1860707, MONDO:0013199, OMIM 613254.
Hereditary cancer-predisposing syndrome. Also called: Hereditary neoplastic syndrome; Neoplastic Syndromes, Hereditary; Tumor predisposition; Hereditary Cancer Syndrome. Identifiers: Orphanet 140162, MedGen C0027672, MeSH D009386, MONDO:0015356.

Submissions (2):

Labcorp Genetics (formerly Invitae), Labcorp
Classification: Uncertain significance for Tuberous sclerosis 2. Last evaluated: 2023-10-03. Review status: criteria provided, single submitter. Criteria: Invitae Variant Classification Sherloc (09022015). Collection method: clinical testing. Allele origin: germline.
Comment: This sequence change replaces valine, which is neutral and non-polar, with isoleucine, which is neutral and non-polar, at codon 987 of the TSC2 protein (p.Val987Ile). This variant is not present in population databases (gnomAD no frequency). This variant has not been reported in the literature in individuals affected with TSC2-related conditions. ClinVar contains an entry for this variant (Variation ID: 1042438). Advanced modeling of protein sequence and biophysical properties (such as structural, functional, and spatial information, amino acid conservation, physicochemical variation, residue mobility, and thermodynamic stability) performed at Invitae indicates that this missense variant is not expected to disrupt TSC2 protein function. In summary, the available evidence is currently insufficient to determine the role of this variant in disease. Therefore, it has been classified as a Variant of Uncertain Significance.

Ambry Genetics
Classification: Uncertain significance for Hereditary cancer-predisposing syndrome. Last evaluated: 2022-09-16. Review status: criteria provided, single submitter. Criteria: Ambry Variant Classification Scheme 2023. Collection method: clinical testing. Allele origin: germline.
Comment: The p.V987I variant (also known as c.2959G>A), located in coding exon 25 of the TSC2 gene, results from a G to A substitution at nucleotide position 2959. The valine at codon 987 is replaced by isoleucine, an amino acid with highly similar properties. This amino acid position is conserved. In addition, the in silico prediction for this alteration is inconclusive. Since supporting evidence is limited at this time, the clinical significance of this alteration remains unclear.

NM_000548.5(TSC2):c.2959G>A (p.Val987Ile)

Gene: TSC2 (TSC complex subunit 2; plus strand). Cytogenetic location: 16p13.3.
Variant type: single nucleotide variant.
Coding change: c.2959G>A on transcript NM_000548.5 (MANE Select); coding-DNA position 2959, G replaced by A.
Protein change: p.Val987Ile; replaces valine 987 with isoleucine.
Molecular consequence: missense variant. On other transcripts: intron variant (9).
Genome position (GRCh38, 1-based): chr16:2,077,719, G>A. VCF-style: chr16-2077719-G-A. GRCh37 (hg19) VCF-style: chr16-2127720-G-A.
Other names: c.2959G>A, p.Val987Ile (NM_001114382.3); c.2837+1134G>A (NM_021055.3, NM_001370405.1, NM_001363528.2 and 2 more transcripts); c.2726+1134G>A (NM_001318827.2); c.2237+1134G>A (NM_001318831.2); c.2690+1134G>A (NM_001318829.2); c.2870+1134G>A (NM_001318832.2); short protein forms V987I.
Identifiers: ClinVar variation 1042438 (VCV001042438.12), dbSNP rs2089598568, ClinGen allele CA394281572.